The following is an entry in ClinVar:

NM_006614.4(CHL1):c.849-3C>T

Gene: CHL1 (cell adhesion molecule L1 like; plus strand). Cytogenetic location: 3p26.3.
Variant type: single nucleotide variant.
Coding change: c.849-3C>T on transcript NM_006614.4 (MANE Select); 3 bases into the intron before coding-DNA position 849, C replaced by T.
Molecular consequence: intron variant.
Genome position (GRCh38, 1-based): chr3:349,356, C>T. VCF-style: chr3-349356-C-T. GRCh37 (hg19) VCF-style: chr3-391039-C-T.
Other names: c.801-3C>T (NM_001253387.2); c.849-3C>T (NM_001253388.1).
Identifiers: ClinVar variation 2653435 (VCV002653435.24), dbSNP rs933609857, ClinGen allele CA68634684.

ClinVar aggregate classification (germline): Uncertain significance (1 of 4 stars; one submission).

Allele frequency attached by ClinVar (database versions not stated): gnomAD exomes below 0.00001.
gnomAD v4.1: 3 of 1,601,796 alleles (0.00019%); highest among the groups gnomAD compares: African/African-American, 0.0014%; no homozygotes.

Submission:

CeGaT Center for Human Genetics Tuebingen
Classification: Uncertain significance. Last evaluated: 2022-04-01. Review status: criteria provided, single submitter. Criteria: CeGaT Center For Human Genetics Tuebingen Variant Classification Criteria Version 2. Collection method: clinical testing. Allele origin: germline. Affected: yes. Observed: 1 variant allele.
Comment: CHL1: PM2, BP4